The following is an entry in ClinVar:

NM_001267550.2(TTN):c.27607G>T (p.Glu9203Ter)

Gene: TTN (titin; minus strand). Cytogenetic location: 2q31.2.
Variant type: single nucleotide variant.
Coding change: c.27607G>T on transcript NM_001267550.2 (MANE Select); coding-DNA position 27607, G replaced by T.
Protein change: p.Glu9203Ter; replaces glutamic acid 9203 with a stop codon.
Molecular consequence: nonsense. On other transcripts: intron variant (3).
Genome position (GRCh38, 1-based): chr2:178,712,315, C>A on the plus strand (G>T on the coding strand, the complement: TTN is on the minus strand). VCF-style: chr2-178712315-C-A. GRCh37 (hg19) VCF-style: chr2-179577042-C-A.
Other names: c.26656G>T, p.Glu8886Ter (NM_001256850.1); c.23875G>T, p.Glu7959Ter (NM_133378.4); c.13282+25767G>T (NM_003319.4); c.13858+25767G>T (NM_133437.4); c.13657+25767G>T (NM_133432.3); short protein forms E7959*, E8886*, E9203*.
Identifiers: ClinVar variation 801833 (VCV000801833.6), dbSNP rs769097909, ClinGen allele CA60965445.

ClinVar aggregate classification (germline): Pathogenic/Likely pathogenic. Review status: criteria provided, multiple submitters, no conflicts (2 of 4 stars). 2 submissions from 2 submitters: Pathogenic (1); Likely pathogenic (1). Last evaluated 2024-11-04.

Conditions:
Dilated cardiomyopathy 1G (CMD1G). Identifiers: Orphanet 154, MedGen C1858763, MONDO:0011400, OMIM 604145.
Autosomal recessive limb-girdle muscular dystrophy type 2J (LGMDR10). Also called: Limb-girdle muscular dystrophy, type 2J; MUSCULAR DYSTROPHY, LIMB-GIRDLE, AUTOSOMAL RECESSIVE 10. Identifiers: Orphanet 140922, MedGen C1837342, MONDO:0012127, OMIM 608807.

Allele frequency attached by ClinVar (database versions not stated): TOPMed 0.00001; gnomAD 0.00003.
gnomAD v4.1: 1 of 1,612,206 alleles (0.000062%); highest among the groups gnomAD compares: African/African-American, 0.0013%; no homozygotes.

Submissions (2):

Labcorp Genetics (formerly Invitae), Labcorp
Classification: Likely pathogenic for Dilated cardiomyopathy 1G; Autosomal recessive limb-girdle muscular dystrophy type 2J. Last evaluated: 2024-11-04. Review status: criteria provided, single submitter. Criteria: Invitae Variant Classification Sherloc (09022015). Collection method: clinical testing. Allele origin: germline.
Comment: This sequence change creates a premature translational stop signal (p.Glu9203*) in the TTN gene. While this is not anticipated to result in nonsense mediated decay, it is expected to create a truncated TTN protein. This variant is present in population databases (no rsID available, gnomAD 0.01%). This variant has not been reported in the literature in individuals affected with TTN-related conditions. ClinVar contains an entry for this variant (Variation ID: 801833). Algorithms developed to predict the effect of sequence changes on RNA splicing suggest that this variant may disrupt the consensus splice site. This variant is located in the I band of TTN (PMID: 25589632). Truncating variants in this region have been reported in individuals affected with autosomal recessive centronuclear myopathy (PMID: 23975875, internal data). Truncating variants in this region have also been identified in individuals affected with autosomal dominant dilated cardiomyopathy and/or cardio-related conditions (PMID: 27869827, 32964742, internal data). In summary, the currently available evidence indicates that the variant is pathogenic, but additional data are needed to prove that conclusively. Therefore, this variant has been classified as Likely Pathogenic.

Mendelics
Classification: Pathogenic for Dilated cardiomyopathy 1G. Last evaluated: 2019-05-28. Review status: criteria provided, single submitter. Criteria: Mendelics Assertion Criteria 2017. Collection method: clinical testing. Allele origin: unknown.

Literature cited by the submitters: PubMed 25589632 (cited by Labcorp Genetics (formerly Invitae), Labcorp); PubMed 23975875 (cited by Labcorp Genetics (formerly Invitae), Labcorp); PubMed 27869827 (cited by Labcorp Genetics (formerly Invitae), Labcorp); PubMed 32964742 (cited by Labcorp Genetics (formerly Invitae), Labcorp).